The following is an entry in ClinVar:

ClinVar aggregate classification (germline): Pathogenic (1 of 4 stars; one submission).

Conditions:
Polycystic kidney disease, adult type (PKD1). Also called: POLYCYSTIC KIDNEY DISEASE, ADULT, TYPE I; Polycystic Kidney Disease 1, Autosomal Dominant; Polycystic kidney disease 1; Polycystic kidney disease 1, severe; Polycystic Kidney, Autosomal Dominant; POLYCYSTIC KIDNEY DISEASE 1 WITH OR WITHOUT POLYCYSTIC LIVER DISEASE. Identifiers: MedGen C3149841, MONDO:0008263, OMIM 173900.

Submission:

Juno Genomics, Hangzhou Juno Genomics, Inc
Classification: Pathogenic for Polycystic kidney disease, adult type. Review status: criteria provided, single submitter. Criteria: ACMG Guidelines, 2015. Collection method: clinical testing. Allele origin: germline. Affected: yes.
Comment: Absent from controls (or at extremely low frequency if recessive) in Genome Aggregation Database, Exome Sequencing Project, 1000 Genomes Project, or Exome Aggregation Consortium.;Null variant in a gene where loss of function (LOF) is a known mechanism of disease.;Patient's phenotype or family history is highly specific for a disease with a single genetic etiology.

NM_001009944.3(PKD1):c.2563del (p.Ala855fs)

Gene: PKD1 (polycystin 1, transient receptor potential channel interacting; minus strand). Cytogenetic location: 16p13.3.
Variant type: Deletion.
Coding change: c.2563del on transcript NM_001009944.3 (MANE Select); coding-DNA position 2563, one base deleted (G; older notation c.2563delG).
Protein change: p.Ala855fs; shifts the reading frame from alanine 855.
Molecular consequence: frameshift variant.
Genome position (GRCh38, 1-based): chr16:2,114,460, C deleted on the plus strand (G on the coding strand, the reverse complement: PKD1 is on the minus strand). VCF-style (leftmost placement, unchanged base first): chr16-2114459-GC-G. GRCh37 (hg19) VCF-style: chr16-2164460-GC-G.
Other names: c.2563del, p.Ala855fs (NM_000296.4); short protein forms A855fs.
Identifiers: ClinVar variation 3382079 (VCV003382079.2).